The following is an entry in ClinVar:

ClinVar aggregate classification (germline): Likely pathogenic (1 of 4 stars; one submission).

Allele frequency attached by ClinVar (database versions not stated): gnomAD exomes 0.00001.
gnomAD v4.1: 3 of 1,547,166 alleles (0.00019%); highest among the groups gnomAD compares: Admixed American, 0.002%; no homozygotes.

Submission:

Labcorp Genetics (formerly Invitae), Labcorp
Classification: Likely pathogenic. Last evaluated: 2022-12-01. Review status: criteria provided, single submitter. Criteria: Invitae Variant Classification Sherloc (09022015). Collection method: clinical testing. Allele origin: germline.
Comment: This sequence change affects a donor splice site in intron 14 of the UNC80 gene. It is expected to disrupt RNA splicing. Variants that disrupt the donor or acceptor splice site typically lead to a loss of protein function (PMID: 16199547), and loss-of-function variants in UNC80 are known to be pathogenic (PMID: 26545877, 26708751, 26708753). This variant is present in population databases (no rsID available, gnomAD 0.004%). This variant has not been reported in the literature in individuals affected with UNC80-related conditions. Algorithms developed to predict the effect of sequence changes on RNA splicing suggest that this variant may disrupt the consensus splice site. In summary, the currently available evidence indicates that the variant is pathogenic, but additional data are needed to prove that conclusively. Therefore, this variant has been classified as Likely Pathogenic.

Literature cited by the submitters: PubMed 16199547; PubMed 26545877; PubMed 26708751; PubMed 26708753.

NM_001371986.1(UNC80):c.2478+1G>A

Gene: UNC80 (unc-80 subunit of NALCN channel complex; plus strand). Cytogenetic location: 2q34.
Variant type: single nucleotide variant.
Coding change: c.2478+1G>A on transcript NM_001371986.1 (MANE Select); the canonical splice donor site of the intron after coding-DNA position 2478, G replaced by A.
Molecular consequence: splice donor variant. On other transcripts: intron variant (1).
Genome position (GRCh38, 1-based): chr2:209,826,054, G>A. VCF-style: chr2-209826054-G-A. GRCh37 (hg19) VCF-style: chr2-210690778-G-A.
Other names: c.2478+1G>A (NM_032504.2); c.2463+16G>A (NM_182587.4).
Identifiers: ClinVar variation 2817734 (VCV002817734.3), dbSNP rs1193450930, ClinGen allele CA350137487.